The following is an entry in ClinVar:

NM_001347721.2(DYRK1A):c.1307C>T (p.Thr436Met)

Gene: DYRK1A (dual specificity tyrosine phosphorylation regulated kinase 1A; plus strand). Cytogenetic location: 21q22.13.
Variant type: single nucleotide variant.
Coding change: c.1307C>T on transcript NM_001347721.2 (MANE Select); coding-DNA position 1307, C replaced by T.
Protein change: p.Thr436Met; replaces threonine 436 with methionine.
Molecular consequence: missense variant.
Genome position (GRCh38, 1-based): chr21:37,505,377, C>T. VCF-style: chr21-37505377-C-T. GRCh37 (hg19) VCF-style: chr21-38877680-C-T.
Other names: c.1307C>T, p.Thr436Met (NM_001347722.2, NM_130436.2); c.1220C>T, p.Thr407Met (NM_001347723.2); c.1334C>T, p.Thr445Met (NM_001396.5, NM_101395.2, NM_130438.2); short protein forms T407M, T445M, T436M.
Identifiers: ClinVar variation 838901 (VCV000838901.11), dbSNP rs759524625, ClinGen allele CA10023964.

ClinVar aggregate classification (germline): Conflicting classifications of pathogenicity. Review status: criteria provided, conflicting classifications (1 of 4 stars). 2 submissions from 2 submitters: Uncertain significance (1); Benign (1). Last evaluated 2023-12-12.

Conditions:
DYRK1A-related intellectual disability syndrome (MRD7). Also called: Intellectual developmental disorder, autosomal dominant 7; DYRK1A Syndrome. Identifiers: Orphanet 464306, MedGen C5568143, MONDO:0013578, OMIM 614104.

Allele frequency attached by ClinVar (database versions not stated): gnomAD exomes below 0.00001 and 0.00001; ExAC 0.00001; gnomAD 0.00002; TOPMed 0.00002.
gnomAD v4.1: 6 of 1,613,972 alleles (0.00037%); highest among the groups gnomAD compares: Admixed American, 0.0017%; no homozygotes.

Submissions (2):

Labcorp Genetics (formerly Invitae), Labcorp
Classification: Benign for DYRK1A-related intellectual disability syndrome. Last evaluated: 2023-12-12. Review status: criteria provided, single submitter. Criteria: Invitae Variant Classification Sherloc (09022015). Collection method: clinical testing. Allele origin: germline.

Baylor Genetics
Classification: Uncertain significance for DYRK1A-related intellectual disability syndrome. Last evaluated: 2018-06-28. Review status: criteria provided, single submitter. Criteria: ACMG Guidelines, 2015. Collection method: clinical testing. Allele origin: maternal. Affected: yes.
Comment: This variant was determined to be of uncertain significance according to ACMG Guidelines, 2015 [PMID:25741868].